The following is an entry in ClinVar:

ClinVar aggregate classification (germline): Likely benign (0 of 4 stars; one submission).

Conditions:
IQGAP3-related disorder. Also called: IQGAP3-related condition.

Allele frequency attached by ClinVar (database versions not stated): gnomAD 0.00001; TOPMed 0.00002.
gnomAD v4.1: 38 of 1,614,092 alleles (0.0024%); highest among the groups gnomAD compares: Middle Eastern, 0.016%; no homozygotes.

Submission:

PreventionGenetics, part of Exact Sciences
Classification: Likely benign for IQGAP3-related condition. Last evaluated: 2019-06-13. Review status: no assertion criteria provided. Collection method: clinical testing. Allele origin: germline.
Comment: This variant is classified as likely benign based on ACMG/AMP sequence variant interpretation guidelines (Richards et al. 2015 PMID: 25741868, with internal and published modifications).

NM_178229.5(IQGAP3):c.2907C>T (p.Tyr969=)

Gene: IQGAP3 (IQ motif containing GTPase activating protein 3; minus strand). Cytogenetic location: 1q22.
Variant type: single nucleotide variant.
Coding change: c.2907C>T on transcript NM_178229.5 (MANE Select); coding-DNA position 2907, C replaced by T.
Protein change: p.Tyr969=; no amino-acid change (tyrosine 969 retained).
Molecular consequence: synonymous variant.
Genome position (GRCh38, 1-based): chr1:156,539,523, G>A on the plus strand (C>T on the coding strand, the complement: IQGAP3 is on the minus strand). VCF-style: chr1-156539523-G-A. GRCh37 (hg19) VCF-style: chr1-156509315-G-A.
Identifiers: ClinVar variation 3041996 (VCV003041996.2), dbSNP rs931645588, ClinGen allele CA31053708.